The following is an entry in ClinVar:

ClinVar aggregate classification (germline): Pathogenic (1 of 4 stars; one submission).

Conditions:
Multiple congenital exostosis (EXT). Also called: Hereditary multiple osteochondromas; MULTIPLE CARTILAGINOUS EXOSTOSES; Hereditary multiple exostoses; Hereditary multiple exostosis; Multiple osteochondromas; Multiple exostoses. Identifiers: Orphanet 321, MedGen C0015306, MONDO:0005508, HP:0002762.

Submission:

Labcorp Genetics (formerly Invitae), Labcorp
Classification: Pathogenic for Multiple congenital exostosis. Last evaluated: 2025-12-29. Review status: criteria provided, single submitter. Criteria: Invitae Variant Classification Sherloc (09022015). Collection method: clinical testing. Allele origin: germline.
Comment: This sequence change creates a premature translational stop signal (p.Val118*) in the EXT1 gene. It is expected to result in an absent or disrupted protein product. Loss-of-function variants in EXT1 are known to be pathogenic (PMID: 10679937, 11391482, 19810120). Information on the frequency of this variant in the gnomAD database is not available, as this variant may be reported differently in the database. This variant has not been reported in the literature in individuals affected with EXT1-related conditions. For these reasons, this variant has been classified as Pathogenic.

Literature cited by the submitters: PubMed 10679937; PubMed 11391482; PubMed 19810120.

NM_000127.3(EXT1):c.352_353delinsTA (p.Val118Ter)

Gene: EXT1 (exostosin glycosyltransferase 1; minus strand). Cytogenetic location: 8q24.11.
Variant type: Indel.
Coding change: c.352_353delinsTA on transcript NM_000127.3 (MANE Select); coding-DNA positions 352 to 353, GT replaced by TA.
Protein change: p.Val118Ter; replaces valine 118 with a stop codon.
Molecular consequence: nonsense.
Genome position (GRCh38, 1-based): chr8:118,110,694-118,110,695, AC replaced by TA on the plus strand (GT replaced by TA on the coding strand, the reverse complement: EXT1 is on the minus strand). VCF-style: chr8-118110694-AC-TA. GRCh37 (hg19) VCF-style: chr8-119122933-AC-TA.
Other names: short protein forms V118*.
Identifiers: ClinVar variation 4734318 (VCV004734318.1).